The following is an entry in ClinVar:

NM_001256470.2(PLEKHA5):c.3507A>G (p.Ser1169=)

Gene: PLEKHA5 (pleckstrin homology domain containing A5; plus strand). Cytogenetic location: 12p12.3.
Variant type: single nucleotide variant.
Coding change: c.3507A>G on transcript NM_001256470.2 (MANE Select); coding-DNA position 3507, A replaced by G.
Protein change: p.Ser1169=; no amino-acid change (serine 1169 retained).
Molecular consequence: synonymous variant. On other transcripts: non-coding transcript variant (6).
Genome position (GRCh38, 1-based): chr12:19,361,605, A>G. VCF-style: chr12-19361605-A-G. GRCh37 (hg19) VCF-style: chr12-19514539-A-G.
Other names: c.3183A>G, p.Ser1061= (NM_001143821.3, NM_001385933.1, NM_001385968.1); c.2955A>G, p.Ser985= (NM_001256787.2); c.3489A>G, p.Ser1163= (NM_001385923.1); c.3471A>G, p.Ser1157= (NM_001385924.1); c.3453A>G, p.Ser1151= (NM_001385925.1); c.3507A>G, p.Ser1169= (NM_001385926.1); c.3387A>G, p.Ser1129= (NM_001385927.1); c.3339A>G, p.Ser1113= (NM_001385928.1); and 30 more.
Identifiers: ClinVar variation 3044730 (VCV003044730.2), dbSNP rs147625761, ClinGen allele CA6472875.

ClinVar aggregate classification (germline): Likely benign (0 of 4 stars; one submission).

Conditions:
PLEKHA5-related disorder. Also called: PLEKHA5-related condition.

Allele frequency attached by ClinVar (database versions not stated): ExAC 0.00090; gnomAD exomes 0.00173; gnomAD 0.00092; TOPMed 0.00093; ESP Exome Variant Server 0.00115.
gnomAD v4.1: 2,469 of 1,518,740 alleles (0.16%); highest among the groups gnomAD compares: Non-Finnish European, 0.21%; 1 homozygote.

Submission:

PreventionGenetics, part of Exact Sciences
Classification: Likely benign for PLEKHA5-related condition. Last evaluated: 2019-08-16. Review status: no assertion criteria provided. Collection method: clinical testing. Allele origin: germline.
Comment: This variant is classified as likely benign based on ACMG/AMP sequence variant interpretation guidelines (Richards et al. 2015 PMID: 25741868, with internal and published modifications).